The following is an entry in ClinVar:

ClinVar aggregate classification (germline): Pathogenic (1 of 4 stars; one submission).

Conditions:
Autosomal recessive ataxia, Beauce type. Also called: SYNE1-Related Autosomal Recessive Cerebellar Ataxia; Spinocerebellar ataxia, autosomal recessive 8; ATAXIA, RECESSIVE, OF BEAUCE; SYNE1 Deficiency. Identifiers: Orphanet 88644, MedGen C1853116, MONDO:0012549, OMIM 610743.
Emery-Dreifuss muscular dystrophy 4, autosomal dominant (EDMD4). Also called: EMERY-DREIFUSS MUSCULAR DYSTROPHY 4 WITH VARIABLE FEATURES. Identifiers: Orphanet 261, MedGen C2751807, MONDO:0013071, OMIM 612998.

Allele frequency attached by ClinVar (database versions not stated): gnomAD exomes below 0.00001; ExAC 0.00001; gnomAD 0.00001; TOPMed 0.00002.
gnomAD v4.1: 4 of 1,613,890 alleles (0.00025%); highest among the groups gnomAD compares: Admixed American, 0.0033%; no homozygotes.

Submission:

Labcorp Genetics (formerly Invitae), Labcorp
Classification: Pathogenic for Emery-Dreifuss muscular dystrophy 4, autosomal dominant; Autosomal recessive ataxia, Beauce type. Last evaluated: 2021-12-07. Review status: criteria provided, single submitter. Criteria: Invitae Variant Classification Sherloc (09022015). Collection method: clinical testing. Allele origin: germline.
Comment: This sequence change creates a premature translational stop signal (p.Arg228*) in the SYNE1 gene. It is expected to result in an absent or disrupted protein product. Loss-of-function variants in SYNE1 are known to be pathogenic (PMID: 19542096, 24319099, 27086870). This variant is present in population databases (rs750266004, gnomAD 0.003%). This premature translational stop signal has been observed in individual(s) with spinocerebellar ataxia (PMID: 27086870). For these reasons, this variant has been classified as Pathogenic.

Literature cited by the submitters: PubMed 19542096; PubMed 24319099; PubMed 27086870.

NM_182961.4(SYNE1):c.661C>T (p.Arg221Ter)

Gene: SYNE1 (spectrin repeat containing nuclear envelope protein 1; minus strand). Cytogenetic location: 6q25.2.
Variant type: single nucleotide variant.
Coding change: c.661C>T on transcript NM_182961.4 (MANE Select); coding-DNA position 661, C replaced by T.
Protein change: p.Arg221Ter; replaces arginine 221 with a stop codon.
Molecular consequence: nonsense.
Genome position (GRCh38, 1-based): chr6:152,505,318, G>A on the plus strand (C>T on the coding strand, the complement: SYNE1 is on the minus strand). VCF-style: chr6-152505318-G-A. GRCh37 (hg19) VCF-style: chr6-152826453-G-A.
Other names: c.682C>T, p.Arg228Ter (NM_033071.5); short protein forms R221*, R228*.
Identifiers: ClinVar variation 1458478 (VCV001458478.8), dbSNP rs750266004, ClinGen allele CA4059659.